The following is an entry in ClinVar:

ClinVar aggregate classification (germline): Pathogenic (1 of 4 stars; one submission).

Conditions:
Tumor predisposition syndrome 3 (TPDS3). Also called: Melanoma, cutaneous malignant, susceptibility to, 10; Glioma susceptibility 9; LONG TELOMERE SYNDROME, POT1-RELATED; POT1 Tumor Predisposition. Identifiers: Orphanet 618, MedGen C4014476, MONDO:0014368, OMIM 615848.

Submission:

Labcorp Genetics (formerly Invitae), Labcorp
Classification: Pathogenic for Tumor predisposition syndrome 3. Last evaluated: 2025-08-18. Review status: criteria provided, single submitter. Criteria: Invitae Variant Classification Sherloc (09022015). Collection method: clinical testing. Allele origin: germline.
Comment: This sequence change creates a premature translational stop signal (p.Tyr66*) in the POT1 gene. It is expected to result in an absent or disrupted protein product. Loss-of-function variants in POT1 are known to be pathogenic (PMID: 32155570). This variant is not present in population databases (gnomAD no frequency). This variant has not been reported in the literature in individuals affected with POT1-related conditions. For these reasons, this variant has been classified as Pathogenic.

Literature cited by the submitters: PubMed 32155570.

NM_015450.3(POT1):c.198_217delinsAGGGCTTC (p.Tyr66_Tyr73delinsTer)

Gene: POT1 (protection of telomeres 1; minus strand). Cytogenetic location: 7q31.33.
Variant type: Indel.
Coding change: c.198_217delinsAGGGCTTC on transcript NM_015450.3 (MANE Select); coding-DNA positions 198 to 217, TGAAGCCCTTCCAATAATTT replaced by AGGGCTTC.
Protein change: p.Tyr66_Tyr73delinsTer.
Molecular consequence: nonsense. On other transcripts: intron variant (1), non-coding transcript variant (3).
Genome position (GRCh38, 1-based): chr7:124,870,949-124,870,968, AAATTATTGGAAGGGCTTCA replaced by GAAGCCCT on the plus strand (TGAAGCCCTTCCAATAATTT replaced by AGGGCTTC on the coding strand, the reverse complement: POT1 is on the minus strand). VCF-style: chr7-124870949-AAATTATTGGAAGGGCTTCA-GAAGCCCT. GRCh37 (hg19) VCF-style: chr7-124511003-AAATTATTGGAAGGGCTTCA-GAAGCCCT.
Other names: c.-138-7328_-138-7309delinsAGGGCTTC (NM_001042594.2).
Identifiers: ClinVar variation 4725632 (VCV004725632.1).